The following is an entry in ClinVar:

NM_014030.4(GIT1):c.750G>A (p.Gln250=)

Genes: GIT1 (GIT ArfGAP 1; minus strand), TP53I13 (tumor protein p53 inducible protein 13; plus strand). Cytogenetic location: 17q11.2.
Variant type: single nucleotide variant.
Coding change: c.750G>A on transcript NM_014030.4 (MANE Select); coding-DNA position 750, G replaced by A.
Protein change: p.Gln250=; no amino-acid change (glutamine 250 retained).
Molecular consequence: synonymous variant.
Genome position (GRCh38, 1-based): chr17:29,581,349, C>T on the plus strand (G>A on the coding strand, the complement: GIT1 is on the minus strand). VCF-style: chr17-29581349-C-T. GRCh37 (hg19) VCF-style: chr17-27908367-C-T.
Other names: c.750G>A, p.Gln250= (NM_001085454.2).
Identifiers: ClinVar variation 3036450 (VCV003036450.2), dbSNP rs2033389151, ClinGen allele CA499163793.
Genomic context (GRCh38, chr17:29,581,349, plus strand): 5'-CACATGGCATCCAACAGCCTCTGGAAAGGGGCATCAGGTGGGCACTCACCTGTCAGCCAT[C>T]TGTGGGATGATGTAATGCCCATTCTTGTGATCTGAACAAAAATAAAAATGCCAAGTCACT-3'
Protein context (NP_054749.2, residues 240-260): DHKNGHYIIP[Gln250=]MADSLDLSEL

ClinVar aggregate classification (germline): Likely benign (0 of 4 stars; one submission).

Conditions:
GIT1-related disorder. Also called: GIT1-related condition.

Allele frequency attached by ClinVar (database versions not stated): gnomAD exomes below 0.00001; gnomAD 0.00001.
gnomAD v4.1: 2 of 1,612,540 alleles (0.00012%); highest among the groups gnomAD compares: South Asian, 0.0022%; no homozygotes.

Submission:

PreventionGenetics, part of Exact Sciences
Classification: Likely benign for GIT1-related condition. Last evaluated: 2022-09-20. Review status: no assertion criteria provided. Collection method: clinical testing. Allele origin: germline.
Comment: This variant is classified as likely benign based on ACMG/AMP sequence variant interpretation guidelines (Richards et al. 2015 PMID: 25741868, with internal and published modifications).